The following is an entry in ClinVar:

ClinVar aggregate classification (germline): Uncertain significance (1 of 4 stars; one submission).

Submission:

GeneDx
Classification: Uncertain significance. Last evaluated: 2025-03-20. Review status: criteria provided, single submitter. Criteria: GeneDx Variant Classification Process June 2021. Collection method: clinical testing. Allele origin: germline. Affected: yes.
Comment: In-frame duplication of nine amino acids in a non-repeat region; Not observed at significant frequency in large population cohorts (gnomAD); Has not been previously published as pathogenic or benign to our knowledge

NM_001009944.3(PKD1):c.11672_11698dup (p.Leu3899_Pro3900insArgArgLeuSerAlaGlyLeuSerLeu)

Genes: PKD1 (polycystin 1, transient receptor potential channel interacting; minus strand), PKD1-AS1 (PKD1 antisense RNA 1; plus strand). Cytogenetic location: 16p13.3.
Variant type: Duplication.
Coding change: c.11672_11698dup on transcript NM_001009944.3 (MANE Select); coding-DNA positions 11672 to 11698, 27 bases duplicated (GCCGCCTCAGCGCGGGCCTCTCGCTGC).
Protein change: p.Leu3899_Pro3900insArgArgLeuSerAlaGlyLeuSerLeu.
Molecular consequence: inframe insertion. On other transcripts: non-coding transcript variant (1), inframe indel (1).
Genome position (GRCh38, 1-based): chr16:2,091,437-2,091,463, GCAGCGAGAGGCCCGCGCTGAGGCGGC duplicated on the plus strand (GCCGCCTCAGCGCGGGCCTCTCGCTGC on the coding strand, the reverse complement: PKD1 is on the minus strand); duplicating any 27 consecutive bases within chr16:2,091,437-2,091,469 gives the same sequence; the c. name uses the placement nearest the transcript's 3' end. VCF-style (leftmost placement, unchanged base first): chr16-2091436-G-GGCAGCGAGAGGCCCGCGCTGAGGCGGC. GRCh37 (hg19) VCF-style: chr16-2141437-G-GGCAGCGAGAGGCCCGCGCTGAGGCGGC.
Other names: c.11669_11695dup, p.Leu3898_Pro3899insArgArgLeuSerAlaGlyLeuSerLeu (NM_000296.4); c.11672_11698dup (NM_001009944.2).
Identifiers: ClinVar variation 4086298 (VCV004086298.1).